The following is an entry in ClinVar:

NM_133379.5(TTN):c.10733A>G (p.Tyr3578Cys)

Gene: TTN (titin; minus strand). Cytogenetic location: 2q31.2.
Variant type: single nucleotide variant.
Coding change: c.10733A>G on transcript NM_133379.5; coding-DNA position 10733, A replaced by G.
Protein change: p.Tyr3578Cys; replaces tyrosine 3578 with cysteine.
Molecular consequence: missense variant. On other transcripts: intron variant (6).
Genome position (GRCh38, 1-based): chr2:178,751,667, T>C on the plus strand (A>G on the coding strand, the complement: TTN is on the minus strand). VCF-style: chr2-178751667-T-C. GRCh37 (hg19) VCF-style: chr2-179616394-T-C.
Other names: c.10222+1457A>G (NM_003319.4); c.10798+1457A>G (NM_133437.4); c.10597+1457A>G (NM_133432.3); c.10360+1457A>G (NM_133378.4, NM_001256850.1); c.11311+1457A>G (NM_001267550.2); c.10733A>G (NM_133379.4); short protein forms Y3578C.
Identifiers: ClinVar variation 192060 (VCV000192060.45), dbSNP rs200420921, ClinGen allele CA238214.

ClinVar aggregate classification (germline): Conflicting classifications of pathogenicity. Review status: criteria provided, conflicting classifications (1 of 4 stars). 4 submissions from 4 submitters: Uncertain significance (2); Likely benign (1). 1 of the submissions does not count toward it. Last evaluated 2023-07-10.

Conditions:
TTN-related disorder. Also called: TTN-related condition; TTN-related disease; TTN-related disorders.

Allele frequency attached by ClinVar (database versions not stated): gnomAD 0.00001 and 0.00012; TOPMed 0.00006; gnomAD exomes 0.00017 and 0.00043; ExAC 0.00049; 1000 Genomes Project 30x 0.00125; 1000 Genomes Project 0.00140.
gnomAD v4.1: 287 of 1,613,436 alleles (0.018%); highest among the groups gnomAD compares: South Asian, 0.29%; 2 homozygotes.

Submissions (4):

Blueprint Genetics
Classification: Likely benign. Last evaluated: 2023-07-10. Review status: criteria provided, single submitter. Criteria: ACMG Guidelines, 2015. Collection method: clinical testing. Allele origin: germline.

CeGaT Center for Human Genetics Tuebingen
Classification: Uncertain significance. Last evaluated: 2019-03-01. Review status: criteria provided, single submitter. Criteria: CeGaT Center For Human Genetics Tuebingen Variant Classification Criteria Version 2. Collection method: clinical testing. Allele origin: germline. Affected: yes. Observed: 1 variant allele.

Biesecker Lab/Clinical Genomics Section, National Institutes of Health
Classification: Uncertain significance. Last evaluated: 2013-06-24. Review status: criteria provided, single submitter. Criteria: Ng et al. (Circ Cardiovasc Genet. 2013). Collection method: research. Allele origin: unknown. Observed: 1 variant allele. Study: ClinSeq.
Comment: The study set was not selected for affection status in relation to any cancer. Pathogenicity categories were based on literature curation. See Pubmed ID:23861362 for details.

Medical sequencing

PreventionGenetics, part of Exact Sciences
Classification: Likely benign for TTN-related condition. Last evaluated: 2023-12-07. Review status: no assertion criteria provided. Collection method: clinical testing. Allele origin: germline. Not counted in ClinVar's aggregate classification.
Comment: This variant is classified as likely benign based on ACMG/AMP sequence variant interpretation guidelines (Richards et al. 2015 PMID: 25741868, with internal and published modifications).